The following is an entry in ClinVar:

ClinVar aggregate classification (germline): Uncertain significance (1 of 4 stars; one submission).

Allele frequency attached by ClinVar (database versions not stated): gnomAD 0.00001; TOPMed 0.00001.

Submission:

Labcorp Genetics (formerly Invitae), Labcorp
Classification: Uncertain significance. Last evaluated: 2021-12-28. Review status: criteria provided, single submitter. Criteria: Invitae Variant Classification Sherloc (09022015). Collection method: clinical testing. Allele origin: germline.
Comment: This variant has not been reported in the literature in individuals affected with SCP2-related conditions. This sequence change replaces arginine, which is basic and polar, with glycine, which is neutral and non-polar, at codon 415 of the SCP2 protein (p.Arg415Gly). This variant is not present in population databases (gnomAD no frequency). Algorithms developed to predict the effect of missense changes on protein structure and function are either unavailable or do not agree on the potential impact of this missense change (SIFT: "Deleterious"; PolyPhen-2: "Benign"; Align-GVGD: "Class C0"). In summary, the available evidence is currently insufficient to determine the role of this variant in disease. Therefore, it has been classified as a Variant of Uncertain Significance.

NM_002979.5(SCP2):c.1243A>G (p.Arg415Gly)

Gene: SCP2 (sterol carrier protein 2; plus strand). Cytogenetic location: 1p32.3.
Variant type: single nucleotide variant.
Coding change: c.1243A>G on transcript NM_002979.5 (MANE Select); coding-DNA position 1243, A replaced by G.
Protein change: p.Arg415Gly; replaces arginine 415 with glycine.
Molecular consequence: missense variant. On other transcripts: splice acceptor variant (1).
Genome position (GRCh38, 1-based): chr1:53,027,976, A>G. VCF-style: chr1-53027976-A-G. GRCh37 (hg19) VCF-style: chr1-53493648-A-G.
Other names: c.31A>G, p.Arg11Gly (NM_001007099.3, NM_001007250.3); c.1171A>G, p.Arg391Gly (NM_001193599.2); c.1111A>G, p.Arg371Gly (NM_001193600.2); c.1000A>G, p.Arg334Gly (NM_001193617.2); c.24-2A>G (NM_001007100.3); short protein forms R11G, R391G, R415G, R371G, R334G.
Identifiers: ClinVar variation 1959152 (VCV001959152.5), dbSNP rs1467721482, ClinGen allele CA340377383.
Genomic context (GRCh38, chr1:53,027,976, plus strand): 5'-AAAAACCTAGTACCTATGTGACTCCATGAATTGAAACAGTTTCTTTTCCCCAGTTCTTTT[A>G]GAACTCATCAAATTGAAGCTGTTCCAACCAGCTCTGCAAGTGATGGATTTAAGGCAAATC-3'
Protein context (NP_002970.2, residues 405-425): MGFPEAASSF[Arg415Gly]THQIEAVPTS